The following is an entry in ClinVar:

ClinVar aggregate classification (germline): Uncertain significance (1 of 4 stars; one submission).

Conditions:
Neuromuscular disease caused by qualitative or quantitative defects of dysferlin. Also called: Qualitative or quantitative defects of dysferlin; Dysferlinopathy. Identifiers: Orphanet 207073, MedGen C2931687, MONDO:0016145.

Submission:

Labcorp Genetics (formerly Invitae), Labcorp
Classification: Uncertain significance for Neuromuscular disease caused by qualitative or quantitative defects of dysferlin. Last evaluated: 2022-08-02. Review status: criteria provided, single submitter. Criteria: Invitae Variant Classification Sherloc (09022015). Collection method: clinical testing. Allele origin: germline.
Comment: This sequence change replaces serine, which is neutral and polar, with cysteine, which is neutral and slightly polar, at codon 1958 of the DYSF protein (p.Ser1958Cys). This variant is not present in population databases (gnomAD no frequency). This variant has not been reported in the literature in individuals affected with DYSF-related conditions. Advanced modeling of protein sequence and biophysical properties (such as structural, functional, and spatial information, amino acid conservation, physicochemical variation, residue mobility, and thermodynamic stability) performed at Invitae indicates that this missense variant is expected to disrupt DYSF protein function. In summary, the available evidence is currently insufficient to determine the role of this variant in disease. Therefore, it has been classified as a Variant of Uncertain Significance.

NM_001130987.2(DYSF):c.5990C>G (p.Ser1997Cys)

Gene: DYSF (dysferlin; plus strand). Cytogenetic location: 2p13.2.
Variant type: single nucleotide variant.
Coding change: c.5990C>G on transcript NM_001130987.2 (MANE Select); coding-DNA position 5990, C replaced by G.
Protein change: p.Ser1997Cys; replaces serine 1997 with cysteine.
Molecular consequence: missense variant.
Genome position (GRCh38, 1-based): chr2:71,679,162, C>G. VCF-style: chr2-71679162-C-G. GRCh37 (hg19) VCF-style: chr2-71906292-C-G.
Other names: c.5876C>G, p.Ser1959Cys (NM_001130455.2); c.5831C>G, p.Ser1944Cys (NM_001130976.2); c.5894C>G, p.Ser1965Cys (NM_001130977.2); c.5936C>G, p.Ser1979Cys (NM_001130978.2); c.5987C>G, p.Ser1996Cys (NM_001130981.2); c.5969C>G, p.Ser1990Cys (NM_001130982.2); c.5939C>G, p.Ser1980Cys (NM_001130983.2); c.5897C>G, p.Ser1966Cys (NM_001130984.2); and 5 more; short protein forms S1966C, S1980C, S1997C, S1944C, S1965C, S1975C, S1976C, S1989C.
Identifiers: ClinVar variation 1945585 (VCV001945585.5), dbSNP rs2152967860, ClinGen allele CA347226441.